The following is an entry in ClinVar:

NM_005472.5(KCNE3):c.287T>G (p.Ile96Ser)

Gene: KCNE3 (potassium voltage-gated channel subfamily E regulatory subunit 3; minus strand). Cytogenetic location: 11q13.4.
Variant type: single nucleotide variant.
Coding change: c.287T>G on transcript NM_005472.5 (MANE Select); coding-DNA position 287, T replaced by G.
Protein change: p.Ile96Ser; replaces isoleucine 96 with serine.
Molecular consequence: missense variant.
Genome position (GRCh38, 1-based): chr11:74,457,277, A>C on the plus strand (T>G on the coding strand, the complement: KCNE3 is on the minus strand). VCF-style: chr11-74457277-A-C. GRCh37 (hg19) VCF-style: chr11-74168322-A-C.
Other names: short protein forms I96S.
Identifiers: ClinVar variation 3113145 (VCV003113145.2), dbSNP rs2496084156, ClinGen allele CA381973677.

ClinVar aggregate classification (germline): Uncertain significance (1 of 4 stars; one submission).

Conditions:
Cardiovascular phenotype. Identifiers: MedGen CN230736.

Submission:

Ambry Genetics
Classification: Uncertain significance for Cardiovascular phenotype. Last evaluated: 2026-02-16. Review status: criteria provided, single submitter. Criteria: Ambry Variant Classification Scheme 2023. Collection method: clinical testing. Allele origin: germline.
Comment: The p.I96S variant (also known as c.287T>G), located in coding exon 1 of the KCNE3 gene, results from a T to G substitution at nucleotide position 287. The isoleucine at codon 96 is replaced by serine, an amino acid with dissimilar properties. This amino acid position is highly conserved in available vertebrate species. In addition, this alteration is predicted to be deleterious by in silico analysis. The evidence for this gene-disease relationship is limited; therefore, the clinical significance of this variant is unclear.